The following is an entry in ClinVar:

NM_001384732.1(CPLANE1):c.571-18T>G

Gene: CPLANE1 (ciliogenesis and planar polarity effector complex subunit 1; minus strand). Cytogenetic location: 5p13.2.
Variant type: single nucleotide variant.
Coding change: c.571-18T>G on transcript NM_001384732.1 (MANE Select); 18 bases into the intron before coding-DNA position 571, T replaced by G.
Molecular consequence: intron variant.
Genome position (GRCh38, 1-based): chr5:37,243,137, A>C on the plus strand (T>G on the coding strand, the complement: CPLANE1 is on the minus strand). VCF-style: chr5-37243137-A-C. GRCh37 (hg19) VCF-style: chr5-37243239-A-C.
Other names: c.571-18T>G (NM_023073.3, NM_023073.4).
Identifiers: ClinVar variation 1480172 (VCV001480172.8), dbSNP rs1484482731, ClinGen allele CA810314525.

ClinVar aggregate classification (germline): Uncertain significance. Review status: criteria provided, multiple submitters, no conflicts (2 of 4 stars). 3 submissions from 3 submitters: Uncertain significance (3). Last evaluated 2024-05-28.

Conditions:
Orofaciodigital syndrome type 6 (OFD6). Also called: Oral-facial-digital syndrome type 6; Central polydactyly cleft lip/palate or lingual lump and psychomotor retardation; Y-shaped central metacarpal and cerebellar defect; Joubert syndrome with orofacialdigital anomalies; OROFACIODIGITAL SYNDROME VI; OFDS VI. Identifiers: Orphanet 2754, MedGen C2745997, MONDO:0010176, OMIM 277170.
Joubert syndrome 17 (JBTS17). Identifiers: Orphanet 475, MedGen C3553264, MONDO:0013824, OMIM 614615.

gnomAD v4.1: 7 of 1,342,392 alleles (0.00052%); highest among the groups gnomAD compares: Non-Finnish European, 0.00072%; no homozygotes.

Submissions (3):

Fulgent Genetics
Classification: Uncertain significance for Orofaciodigital syndrome type 6; Joubert syndrome 17. Last evaluated: 2024-05-28. Review status: criteria provided, single submitter. Criteria: ACMG Guidelines, 2015. Collection method: clinical testing. Allele origin: germline.

Blueprint Genetics
Classification: Uncertain significance. Last evaluated: 2024-05-27. Review status: criteria provided, single submitter. Criteria: ACMG Guidelines, 2015. Collection method: clinical testing. Allele origin: germline.

Labcorp Genetics (formerly Invitae), Labcorp
Classification: Uncertain significance. Last evaluated: 2021-08-19. Review status: criteria provided, single submitter. Criteria: Invitae Variant Classification Sherloc (09022015). Collection method: clinical testing. Allele origin: germline.
Comment: In summary, the available evidence is currently insufficient to determine the role of this variant in disease. Therefore, it has been classified as a Variant of Uncertain Significance. Algorithms developed to predict the effect of sequence changes on RNA splicing suggest that this variant may create or strengthen a splice site. This variant has not been reported in the literature in individuals affected with CPLANE1-related conditions. This variant is not present in population databases (ExAC no frequency). This sequence change falls in intron 5 of the CPLANE1 gene. It does not directly change the encoded amino acid sequence of the CPLANE1 protein.